The following is an entry in ClinVar:

NC_000017.10:g.(?_41242941)_(41277500_?)dup

Genes: BRCA1 (BRCA1 DNA repair associated; minus strand), LOC111589216 (BRCA1 intron 2 regulatory region; plus strand), LOC110485084 (BRCA1 intronic recombination region; plus strand), LOC126862571 (BRD4-independent group 4 enhancer GRCh37_chr17:41243136-41244335; plus strand), LOC111589215 (BRCA1 promoter region; plus strand). Cytogenetic location: 17q21.31.
Variant type: Duplication.
Identifiers: ClinVar variation 639367 (VCV000639367.5).

ClinVar aggregate classification (germline): Uncertain significance (1 of 4 stars; one submission).

Conditions:
Hereditary breast ovarian cancer syndrome. Also called: Hereditary breast and ovarian cancer; Hereditary breast and ovarian cancer syndrome (HBOC); BRCA1- and BRCA2-Associated Hereditary Breast and Ovarian Cancer; Hereditary breast and ovarian cancer syndrome; Hereditary breast and/or ovarian cancer syndrome; Breast and ovarian cancer. Identifiers: Orphanet 145, MedGen C0677776, MeSH D061325, MONDO:0003582. Disease mechanism: loss of function.

Submission:

Labcorp Genetics (formerly Invitae), Labcorp
Classification: Uncertain significance for Hereditary breast ovarian cancer syndrome. Last evaluated: 2023-05-04. Review status: criteria provided, single submitter. Criteria: Invitae Variant Classification Sherloc (09022015). Collection method: clinical testing. Allele origin: germline.
Comment: In summary, the available evidence is currently insufficient to determine the role of this variant in disease. Therefore, it has been classified as a Variant of Uncertain Significance. This variant has not been reported in the literature in individuals affected with BRCA1-related conditions. This variant results in a copy number gain of the genomic region encompassing exon(s) 1-11 of the BRCA1 gene. This region includes the initiator codon of the gene. This copy number gain extends beyond the assayed region for this gene and therefore may encompass additional genes. As the precise location of this event is unknown, it may be in tandem or it may be located elsewhere in the genome.